The following is an entry in ClinVar:

NM_024675.4(PALB2):c.3262C>T (p.Pro1088Ser)

Gene: PALB2 (partner and localizer of BRCA2; minus strand). Cytogenetic location: 16p12.2.
Variant type: single nucleotide variant.
Coding change: c.3262C>T on transcript NM_024675.4 (MANE Select); coding-DNA position 3262, C replaced by T.
Protein change: p.Pro1088Ser; replaces proline 1088 with serine.
Molecular consequence: missense variant.
Genome position (GRCh38, 1-based): chr16:23,607,952, G>A on the plus strand (C>T on the coding strand, the complement: PALB2 is on the minus strand). VCF-style: chr16-23607952-G-A. GRCh37 (hg19) VCF-style: chr16-23619273-G-A.
Other names: short protein forms P1088S.
Identifiers: ClinVar variation 570698 (VCV000570698.15), dbSNP rs1060502777, ClinGen allele CA395139751.

ClinVar aggregate classification (germline): Conflicting classifications of pathogenicity. Review status: criteria provided, conflicting classifications (1 of 4 stars). 2 submissions from 2 submitters: Uncertain significance (1); Likely benign (1). Last evaluated 2024-08-19.

Conditions:
Hereditary cancer-predisposing syndrome. Also called: Hereditary neoplastic syndrome; Tumor predisposition; Neoplastic Syndromes, Hereditary; Hereditary Cancer Syndrome. Identifiers: Orphanet 140162, MedGen C0027672, MeSH D009386, MONDO:0015356.
Familial cancer of breast. Also called: hereditary breast carcinoma; BREAST CANCER, FAMILIAL; Hereditary breast cancer. Identifiers: Orphanet 227535, MedGen C0346153, MONDO:0016419, OMIM 114480. Disease mechanism: loss of function.

Submissions (2):

Ambry Genetics
Classification: Likely benign for Hereditary cancer-predisposing syndrome. Last evaluated: 2024-08-19. Review status: criteria provided, single submitter. Criteria: Ambry Variant Classification Scheme 2023. Collection method: clinical testing. Allele origin: germline.

Labcorp Genetics (formerly Invitae), Labcorp
Classification: Uncertain significance for Familial cancer of breast. Last evaluated: 2023-01-30. Review status: criteria provided, single submitter. Criteria: Invitae Variant Classification Sherloc (09022015). Collection method: clinical testing. Allele origin: germline.
Comment: This sequence change replaces proline, which is neutral and non-polar, with serine, which is neutral and polar, at codon 1088 of the PALB2 protein (p.Pro1088Ser). This variant is not present in population databases (gnomAD no frequency). This missense change has been observed in individual(s) with breast cancer and/or colorectal polyps (PMID: 30410870). ClinVar contains an entry for this variant (Variation ID: 570698). Algorithms developed to predict the effect of missense changes on protein structure and function are either unavailable or do not agree on the potential impact of this missense change (SIFT: "Tolerated"; PolyPhen-2: "Probably Damaging"; Align-GVGD: "Class C0"). Experimental studies are conflicting or provide insufficient evidence to determine the effect of this variant on PALB2 function (PMID: 30410870, 31636395). In summary, the available evidence is currently insufficient to determine the role of this variant in disease. Therefore, it has been classified as a Variant of Uncertain Significance.

Literature cited by the submitters: PubMed 31636395 (cited by Ambry Genetics and Labcorp Genetics (formerly Invitae), Labcorp); PubMed 30410870 (cited by Labcorp Genetics (formerly Invitae), Labcorp).